The following is an entry in ClinVar:

ClinVar aggregate classification (germline): Uncertain significance (1 of 4 stars; one submission).

Conditions:
Spastic paraplegia. Identifiers: MedGen C0037772, HP:0001258.

Submission:

Labcorp Genetics (formerly Invitae), Labcorp
Classification: Uncertain significance for Spastic paraplegia. Last evaluated: 2024-11-27. Review status: criteria provided, single submitter. Criteria: Invitae Variant Classification Sherloc (09022015). Collection method: clinical testing. Allele origin: germline.
Comment: This sequence change replaces threonine, which is neutral and polar, with serine, which is neutral and polar, at codon 150 of the KIF5A protein (p.Thr150Ser). This variant is not present in population databases (gnomAD no frequency). This variant has not been reported in the literature in individuals affected with KIF5A-related conditions. Invitae Evidence Modeling of protein sequence and biophysical properties (such as structural, functional, and spatial information, amino acid conservation, physicochemical variation, residue mobility, and thermodynamic stability) indicates that this missense variant is not expected to disrupt KIF5A protein function with a negative predictive value of 95%. In summary, the available evidence is currently insufficient to determine the role of this variant in disease. Therefore, it has been classified as a Variant of Uncertain Significance.

NM_004984.4(KIF5A):c.448A>T (p.Thr150Ser)

Gene: KIF5A (kinesin family member 5A; plus strand). Cytogenetic location: 12q13.3.
Variant type: single nucleotide variant.
Coding change: c.448A>T on transcript NM_004984.4 (MANE Select); coding-DNA position 448, A replaced by T.
Protein change: p.Thr150Ser; replaces threonine 150 with serine.
Molecular consequence: missense variant.
Genome position (GRCh38, 1-based): chr12:57,564,920, A>T. VCF-style: chr12-57564920-A-T. GRCh37 (hg19) VCF-style: chr12-57958703-A-T.
Other names: c.181A>T, p.Thr61Ser (NM_001354705.2); short protein forms T150S, T61S.
Identifiers: ClinVar variation 3715972 (VCV003715972.2).